The following is an entry in ClinVar:

ClinVar aggregate classification (germline): Uncertain significance. Review status: criteria provided, multiple submitters, no conflicts (2 of 4 stars). 2 submissions from 2 submitters: Uncertain significance (2). Last evaluated 2024-04-01.

Conditions:
Aicardi-Goutieres syndrome 2. Identifiers: Orphanet 51, MedGen C3489724, MONDO:0012429, OMIM 610181.
Inborn genetic diseases. Identifiers: MedGen C0950123, MeSH D030342.

Allele frequency attached by ClinVar (database versions not stated): gnomAD exomes below 0.00001 and 0.00002; gnomAD 0.00001 and 0.00002; ExAC 0.00002; TOPMed 0.00002.

Submissions (2):

Ambry Genetics
Classification: Uncertain significance for Inborn genetic diseases. Last evaluated: 2024-04-01. Review status: criteria provided, single submitter. Criteria: Ambry Variant Classification Scheme 2023. Collection method: clinical testing. Allele origin: germline.

Labcorp Genetics (formerly Invitae), Labcorp
Classification: Uncertain significance for Aicardi-Goutieres syndrome 2. Last evaluated: 2022-09-01. Review status: criteria provided, single submitter. Criteria: Invitae Variant Classification Sherloc (09022015). Collection method: clinical testing. Allele origin: germline.
Comment: This sequence change replaces glycine, which is neutral and non-polar, with arginine, which is basic and polar, at codon 310 of the RNASEH2B protein (p.Gly310Arg). This variant is present in population databases (rs771560732, gnomAD 0.02%). This variant has not been reported in the literature in individuals affected with RNASEH2B-related conditions. ClinVar contains an entry for this variant (Variation ID: 854354). Algorithms developed to predict the effect of missense changes on protein structure and function (SIFT, PolyPhen-2, Align-GVGD) all suggest that this variant is likely to be tolerated. In summary, the available evidence is currently insufficient to determine the role of this variant in disease. Therefore, it has been classified as a Variant of Uncertain Significance.

NM_024570.4(RNASEH2B):c.928G>A (p.Gly310Arg)

Gene: RNASEH2B (ribonuclease H2 subunit B; plus strand). Cytogenetic location: 13q14.3.
Variant type: single nucleotide variant.
Coding change: c.928G>A on transcript NM_024570.4 (MANE Select); coding-DNA position 928, G replaced by A.
Protein change: p.Gly310Arg; replaces glycine 310 with arginine.
Molecular consequence: missense variant. On other transcripts: intron variant (1).
Genome position (GRCh38, 1-based): chr13:50,956,463, G>A. VCF-style: chr13-50956463-G-A. GRCh37 (hg19) VCF-style: chr13-51530599-G-A.
Other names: c.741+6958G>A (NM_001142279.2); short protein forms G310R.
Identifiers: ClinVar variation 854354 (VCV000854354.6), dbSNP rs771560732, ClinGen allele CA6985757.